The following is an entry in ClinVar:

ClinVar aggregate classification (germline): Uncertain significance (1 of 4 stars; one submission).

Allele frequency attached by ClinVar (database versions not stated): gnomAD exomes below 0.00001; TOPMed below 0.00001; gnomAD 0.00001.
gnomAD v4.1: 3 of 1,613,908 alleles (0.00019%); highest among the groups gnomAD compares: Non-Finnish European, 0.00025%; no homozygotes.

Submission:

Labcorp Genetics (formerly Invitae), Labcorp
Classification: Uncertain significance. Last evaluated: 2021-08-24. Review status: criteria provided, single submitter. Criteria: Invitae Variant Classification Sherloc (09022015). Collection method: clinical testing. Allele origin: germline.
Comment: This sequence change replaces histidine with tyrosine at codon 1136 of the NBAS protein (p.His1136Tyr). The histidine residue is highly conserved and there is a moderate physicochemical difference between histidine and tyrosine. This variant is not present in population databases (ExAC no frequency). This variant has not been reported in the literature in individuals affected with NBAS-related conditions. Algorithms developed to predict the effect of missense changes on protein structure and function are either unavailable or do not agree on the potential impact of this missense change (SIFT: "Deleterious"; PolyPhen-2: "Benign"; Align-GVGD: "Class C65"). In summary, the available evidence is currently insufficient to determine the role of this variant in disease. Therefore, it has been classified as a Variant of Uncertain Significance.

NM_015909.4(NBAS):c.3406C>T (p.His1136Tyr)

Gene: NBAS (NBAS subunit of NRZ tethering complex; minus strand). Cytogenetic location: 2p24.3.
Variant type: single nucleotide variant.
Coding change: c.3406C>T on transcript NM_015909.4 (MANE Select); coding-DNA position 3406, C replaced by T.
Protein change: p.His1136Tyr; replaces histidine 1136 with tyrosine.
Molecular consequence: missense variant. On other transcripts: non-coding transcript variant (1).
Genome position (GRCh38, 1-based): chr2:15,379,786, G>A on the plus strand (C>T on the coding strand, the complement: NBAS is on the minus strand). VCF-style: chr2-15379786-G-A. GRCh37 (hg19) VCF-style: chr2-15519910-G-A.
Other names: short protein forms H1136Y.
Identifiers: ClinVar variation 1366254 (VCV001366254.3), dbSNP rs1466755713, ClinGen allele CA345897449.
Genomic context (GRCh38, chr2:15,379,786, plus strand): 5'-CTATACCAGCTGGAGGATTTTCTGAACAAGCACTGCAGTGCATCATCTGTCCAGCCAGGT[G>A]GATGTTTTCAAGGCGACTAGAGCACAGAAGGCTTTCTGTAAATATCTGGAAAAAAGGAGA-3'
Protein context (NP_056993.2, residues 1126-1146): LLCSSRLENI[His1136Tyr]LAGQMMHCSA